The following is an entry in ClinVar:

ClinVar aggregate classification (germline): Conflicting classifications of pathogenicity. Review status: criteria provided, conflicting classifications (1 of 4 stars). 8 submissions from 8 submitters: Uncertain significance (2); Likely benign (6). Last evaluated 2026-06-30.

Conditions:
MEN1-related disorder. Also called: MEN1-related condition.
Hereditary cancer-predisposing syndrome. Also called: Neoplastic Syndromes, Hereditary; Tumor predisposition; Hereditary Cancer Syndrome; Hereditary neoplastic syndrome. Identifiers: Orphanet 140162, MedGen C0027672, MeSH D009386, MONDO:0015356.
Multiple endocrine neoplasia, type 1 (MEN1). Also called: MEN I; WERMER SYNDROME; Endocrine adenomatosis multiple; MEN 1; MEA I. Identifiers: Orphanet 652, MedGen C0025267, MeSH D018761, MONDO:0007540, OMIM 131100.

Allele frequency attached by ClinVar (database versions not stated): gnomAD 0.00001; gnomAD exomes 0.00003; TOPMed 0.00006.

Submissions (8):

PreventionGenetics, part of Exact Sciences
Classification: Likely benign for MEN1-related condition. Last evaluated: 2026-06-30. Review status: criteria provided, single submitter. Criteria: ACMG Guidelines, 2015. Collection method: clinical testing. Allele origin: germline.
Comment: This variant is classified as likely benign based on ACMG/AMP sequence variant interpretation guidelines (Richards et al. 2015 PMID: 25741868, with internal and published modifications).

Labcorp Genetics (formerly Invitae), Labcorp
Classification: Likely benign for Multiple endocrine neoplasia, type 1. Last evaluated: 2026-01-19. Review status: criteria provided, single submitter. Criteria: Invitae Variant Classification Sherloc (09022015). Collection method: clinical testing. Allele origin: germline.

Women's Health and Genetics/Laboratory Corporation of America, LabCorp
Classification: Likely benign. Last evaluated: 2025-01-16. Review status: criteria provided, single submitter. Criteria: LabCorp Variant Classification Summary - May 2015. Collection method: clinical testing. Allele origin: germline.
Comment: Variant summary: MEN1 c.1099G>A (p.Val367Ile) results in a conservative amino acid change in the encoded protein sequence. Three of five in-silico tools predict a benign effect of the variant on protein function. The variant allele was found at a frequency of 0.00013 in 251372 control chromosomes, predominantly at a frequency of 0.00087 within the Latino subpopulation in the gnomAD database. The observed variant frequency within Latino control individuals in the gnomAD database is approximately 41-fold of the estimated maximal expected allele frequency for a pathogenic variant in MEN1 causing Multiple Endocrine Neoplasia Type 1 phenotype (2.1e-05). c.1099G>A has been reported in the literature in individuals affected with Multiple Endocrine Neoplasia Type 1, without strong evidence for causality (Christakis_2018). This report does not provide unequivocal conclusions about association of the variant with Multiple Endocrine Neoplasia Type 1. To our knowledge, no experimental evidence demonstrating an impact on protein function has been reported. The following publication has been ascertained in the context of this evaluation (PMID: 29122330). ClinVar contains an entry for this variant (Variation ID: 403848). Based on the evidence outlined above, the variant was classified as likely benign.

Color Diagnostics, LLC DBA Color Health
Classification: Uncertain significance for Multiple endocrine neoplasia, type 1. Last evaluated: 2024-04-17. Review status: criteria provided, single submitter. Criteria: ACMG Guidelines, 2015. Collection method: clinical testing. Allele origin: germline.
Comment: This missense variant replaces valine with isoleucine at codon 367 of the MEN1 protein. Computational prediction suggests that this variant may not impact protein structure and function. To our knowledge, functional studies have not been reported for this variant. This variant has not been reported in individuals affected with MEN1-related disorders in the literature. This variant has been identified in 32/251372 chromosomes in the general population by the Genome Aggregation Database (gnomAD). The available evidence is insufficient to determine the role of this variant in disease conclusively. Therefore, this variant is classified as a Variant of Uncertain Significance.

GeneDx
Classification: Uncertain significance. Last evaluated: 2023-08-17. Review status: criteria provided, single submitter. Criteria: GeneDx Variant Classification Process June 2021. Collection method: clinical testing. Allele origin: germline. Affected: yes.
Comment: In silico analysis supports that this missense variant does not alter protein structure/function; Has not been previously published as pathogenic or benign to our knowledge; This variant is associated with the following publications: (PMID: 9989505, 12874027)

Ambry Genetics
Classification: Likely benign for Hereditary cancer-predisposing syndrome. Last evaluated: 2021-07-09. Review status: criteria provided, single submitter. Criteria: Ambry Variant Classification Scheme 2023. Collection method: clinical testing. Allele origin: germline.

Athena Diagnostics
Classification: Likely benign. Last evaluated: 2019-09-19. Review status: criteria provided, single submitter. Criteria: Athena Diagnostics Criteria. Collection method: clinical testing. Allele origin: unknown.

Quest Diagnostics Nichols Institute San Juan Capistrano
Classification: Likely benign. Last evaluated: 2019-09-19. Review status: criteria provided, single submitter. Criteria: Quest Diagnostics criteria. Collection method: clinical testing. Allele origin: unknown.

Literature cited by the submitters: PubMed 29122330 (cited by Women's Health and Genetics/Laboratory Corporation of America, LabCorp).

NM_001370259.2(MEN1):c.1099G>A (p.Val367Ile)

Gene: MEN1 (menin 1; minus strand). Cytogenetic location: 11q13.1.
Variant type: single nucleotide variant.
Coding change: c.1099G>A on transcript NM_001370259.2 (MANE Select); coding-DNA position 1099, G replaced by A.
Protein change: p.Val367Ile; replaces valine 367 with isoleucine.
Molecular consequence: missense variant.
Genome position (GRCh38, 1-based): chr11:64,805,721, C>T on the plus strand (G>A on the coding strand, the complement: MEN1 is on the minus strand). VCF-style: chr11-64805721-C-T. GRCh37 (hg19) VCF-style: chr11-64573193-C-T.
Other names: c.1114G>A (NM_000244.3); c.1114G>A, p.Val372Ile (NM_000244.4, NM_130800.3, NM_130801.3 and 3 more transcripts); c.1225G>A, p.Val409Ile (NM_001370251.2); c.1099G>A, p.Val367Ile (NM_001370260.2, NM_001370261.2, NM_130799.3); c.994G>A, p.Val332Ile (NM_001370262.2, NM_001370263.2); short protein forms V372I, V367I, V332I, V409I.
Identifiers: ClinVar variation 403848 (VCV000403848.25), dbSNP rs758404089, ClinGen allele CA059937.